The following is an entry in ClinVar:

ClinVar aggregate classification (germline): Uncertain significance. Review status: criteria provided, single submitter (1 of 4 stars). 2 submissions from 1 submitter: Uncertain significance (1). 1 of the submissions does not count toward it. Last evaluated 2022-10-03.

Conditions:
Hyperphosphatasia with intellectual disability syndrome 5 (GPIBD11). Also called: GLYCOSYLPHOSPHATIDYLINOSITOL BIOSYNTHESIS DEFECT 11. Identifiers: Orphanet 247262, MedGen C4014958, MONDO:0014457, OMIM 616025.

Submissions (2):

Labcorp Genetics (formerly Invitae), Labcorp
Classification: Uncertain significance for Hyperphosphatasia with intellectual disability syndrome 5. Last evaluated: 2022-10-03. Review status: criteria provided, single submitter. Criteria: Invitae Variant Classification Sherloc (09022015). Collection method: clinical testing. Allele origin: germline.
Comment: A gross deletion of the genomic region encompassing the full coding sequence of the PIGW gene has been identified. The current clinical and genetic evidence is not sufficient to establish whether loss-of-function variants in PIGW cause disease. The boundaries of this event are unknown as they extend beyond the assayed region for this gene and therefore may encompass additional genes. This variant has not been reported in the literature in individuals affected with PIGW-related conditions. In summary, the available evidence is currently insufficient to determine the role of this variant in disease. Therefore, it has been classified as a Variant of Uncertain Significance.

Labcorp Genetics (formerly Invitae), Labcorp
Classification: Pathogenic. Last evaluated: 2021-12-12. Review status: flagged submission. Criteria: Invitae Variant Classification Sherloc (09022015). Collection method: clinical testing. Allele origin: germline. Not counted in ClinVar's aggregate classification.
Comment: A gross deletion of the genomic region encompassing the full coding sequence of the HNF1B gene has been identified. Loss-of-function variants in HNF1B are known to be pathogenic (PMID: 9398836, 12148114, 15068978, 20378641). The boundaries of this event are unknown as they extend beyond the assayed region for this gene and therefore may encompass additional genes. A similar copy number variant has been observed in individual(s) with HNF1B-related disease (PMID: 20633866, 24905847, 31604004). In at least one individual the variant was observed to be de novo. For these reasons, this variant has been classified as Pathogenic.
ClinVar note: Reason: This record appears to be redundant with a more recent record from the same submitter.
ClinVar note: Notes: SCV002242986 appears to be redundant with SCV002180368.

Literature cited by the submitters: PubMed 9398836; PubMed 12148114; PubMed 15068978; PubMed 20378641; PubMed 20633866; PubMed 24905847; PubMed 31604004.

NC_000017.10:g.(?_34892951)_(36104875_?)del

Genes: DHRS11 (dehydrogenase/reductase 11; plus strand), DUSP14 (dual specificity phosphatase 14; plus strand), GGNBP2 (gametogenetin binding protein 2; plus strand), TADA2A (transcriptional adaptor 2A; plus strand), DDX52 (DExD-box helicase 52; minus strand) and 8 more. Cytogenetic location: 17q12.
Variant type: Deletion.
Identifiers: ClinVar variation 1412924 (VCV001412924.7).